The following is an entry in ClinVar:

NM_017777.4(MKS1):c.916-5C>G

Gene: MKS1 (MKS transition zone complex subunit 1; minus strand). Cytogenetic location: 17q22.
Variant type: single nucleotide variant.
Coding change: c.916-5C>G on transcript NM_017777.4 (MANE Select); 5 bases into the intron before coding-DNA position 916, C replaced by G.
Molecular consequence: intron variant.
Genome position (GRCh38, 1-based): chr17:58,211,027, G>C on the plus strand (C>G on the coding strand, the complement: MKS1 is on the minus strand). VCF-style: chr17-58211027-G-C. GRCh37 (hg19) VCF-style: chr17-56288388-G-C.
Other names: c.916-5C>G (NM_017777.3, NM_001330397.2, NM_001321269.2); c.307-5C>G (NM_001321268.2).
Identifiers: ClinVar variation 1312436 (VCV001312436.5), dbSNP rs1476611130, ClinGen allele CA626729783.
Genomic context (GRCh38, chr17:58,211,027, plus strand): 5'-GCAAGACACTTACCGACCTCTCCATTTACAAAGAGCCGGAGGGCACCTGGGACAGTCTAA[G>C]GTGAAGAGAAGTGGGAAAGGATCAGCAGGCCTGGAGGGAATTGGCACTTCTCCTCCAGCC-3'

ClinVar aggregate classification (germline): Uncertain significance. Review status: criteria provided, multiple submitters, no conflicts (2 of 4 stars). 3 submissions from 3 submitters: Uncertain significance (2). 1 of the submissions does not count toward it. Last evaluated 2024-02-01.

Conditions:
Bardet-Biedl syndrome 13 (BBS13). Identifiers: Orphanet 110, MedGen C2673873, MONDO:0014441, OMIM 615990.
Meckel syndrome, type 1 (MKS1). Also called: MECKEL-GRUBER SYNDROME, TYPE 1. Identifiers: Orphanet 564, MedGen C3714506, MONDO:0009571, OMIM 249000.
Joubert syndrome 28 (JBTS28). Identifiers: MedGen C4310705, MONDO:0014928, OMIM 617121.
MKS1-related disorder. Also called: MKS1-related condition; MKS1-related disorders. Identifiers: MedGen CN239382.

Allele frequency attached by ClinVar (database versions not stated): gnomAD exomes below 0.00001; TOPMed 0.00002; gnomAD 0.00003.

Submissions (3):

Fulgent Genetics
Classification: Uncertain significance for Meckel syndrome, type 1; Bardet-Biedl syndrome 13; Joubert syndrome 28. Last evaluated: 2024-02-01. Review status: criteria provided, single submitter. Criteria: ACMG Guidelines, 2015. Collection method: clinical testing. Allele origin: germline.

GeneDx
Classification: Uncertain significance. Last evaluated: 2019-10-15. Review status: criteria provided, single submitter. Criteria: GeneDx Variant Classification Process June 2021. Collection method: clinical testing. Allele origin: germline. Affected: yes.
Comment: Has not been previously published as pathogenic or benign to our knowledge; In-silico analysis, which includes splice predictors and evolutionary conservation, is inconclusive as to whether the variant alters gene splicing. In the absence of RNA/functional studies, the actual effect of this sequence change is unknown.

PreventionGenetics, part of Exact Sciences
Classification: Uncertain significance for MKS1-related condition. Last evaluated: 2023-12-20. Review status: no assertion criteria provided. Collection method: clinical testing. Allele origin: germline. Not counted in ClinVar's aggregate classification.
Comment: The MKS1 c.916-5C>G variant is predicted to interfere with splicing. To our knowledge, this variant has not been reported in the literature. This variant is reported in 0.023% of alleles in individuals of African descent in gnomAD. At this time, the clinical significance of this variant is uncertain due to the absence of conclusive functional and genetic evidence.